The following is an entry in ClinVar:

ClinVar aggregate classification (germline): Pathogenic. Review status: criteria provided, multiple submitters, no conflicts (2 of 4 stars). 2 submissions from 2 submitters: Pathogenic (2). Last evaluated 2026-02-13.

Conditions:
Cardiovascular phenotype. Identifiers: MedGen CN230736.
Alstrom syndrome (ALMS). Identifiers: Orphanet 64, MedGen C0268425, MONDO:0008763, OMIM 203800.

Allele frequency attached by ClinVar (database versions not stated): gnomAD exomes below 0.00001.

Submissions (2):

Ambry Genetics
Classification: Pathogenic for Cardiovascular phenotype. Last evaluated: 2026-02-13. Review status: criteria provided, single submitter. Criteria: Ambry Variant Classification Scheme 2023. Collection method: clinical testing. Allele origin: germline.
Comment: The c.7772dupT pathogenic mutation, located in coding exon 10 of the ALMS1 gene, results from a duplication of T at nucleotide position 7772, causing a translational frameshift with a predicted alternate stop codon (p.T2592Nfs*3). This variant has been identified in the homozygous state and/or in conjunction with other ALMS1 variant(s) in individual(s) with features consistent with Alstrom syndrome (Marshall JD et al. Hum Mutat, 2015 Jul;36:660-8; Lindsey S et al. Am J Med Genet A, 2017 Aug;173:2210-2218). This variant is considered to be rare based on population cohorts in the Genome Aggregation Database (gnomAD). This alteration is expected to result in loss of function by premature protein truncation or nonsense-mediated mRNA decay. As such, this alteration is interpreted as a disease-causing mutation.

Labcorp Genetics (formerly Invitae), Labcorp
Classification: Pathogenic for Alstrom syndrome. Last evaluated: 2023-05-20. Review status: criteria provided, single submitter. Criteria: Invitae Variant Classification Sherloc (09022015). Collection method: clinical testing. Allele origin: germline.
Comment: For these reasons, this variant has been classified as Pathogenic. This premature translational stop signal has been observed in individual(s) with clinical features of Alstrom syndrome (PMID: 25846608). This variant is not present in population databases (gnomAD no frequency). This sequence change creates a premature translational stop signal (p.Thr2592Asnfs*3) in the ALMS1 gene. It is expected to result in an absent or disrupted protein product. Loss-of-function variants in ALMS1 are known to be pathogenic (PMID: 17594715).

Literature cited by the submitters: PubMed 25846608 (cited by Ambry Genetics and Labcorp Genetics (formerly Invitae), Labcorp); PubMed 28573831 (cited by Ambry Genetics); PubMed 17594715 (cited by Labcorp Genetics (formerly Invitae), Labcorp).

NM_001378454.1(ALMS1):c.7769dup (p.Thr2591fs)

Gene: ALMS1 (ALMS1 centrosome and basal body associated protein; plus strand). Cytogenetic location: 2p13.1.
Variant type: Duplication.
Coding change: c.7769dup on transcript NM_001378454.1 (MANE Select); coding-DNA position 7769, one base duplicated (T; older notation c.7769dupT).
Protein change: p.Thr2591fs; shifts the reading frame from threonine 2591.
Molecular consequence: frameshift variant.
Genome position (GRCh38, 1-based): chr2:73,489,728, T duplicated. VCF-style (leftmost placement, unchanged base first): chr2-73489727-C-CT. GRCh37 (hg19) VCF-style: chr2-73716854-C-CT.
Other names: c.7772dup, p.Thr2592fs (NM_015120.4); c.7772dupT (NM_015120.4); short protein forms T2592fs, T2591fs.
Identifiers: ClinVar variation 2734230 (VCV002734230.4), dbSNP rs2466212433, ClinGen allele CA2586969425.